The following is an entry in ClinVar:

NM_005676.5(RBM10):c.971C>A (p.Ala324Glu)

Gene: RBM10 (RNA binding motif protein 10; plus strand). Cytogenetic location: Xp11.3.
Variant type: single nucleotide variant.
Coding change: c.971C>A on transcript NM_005676.5 (MANE Select); coding-DNA position 971, C replaced by A.
Protein change: p.Ala324Glu; replaces alanine 324 with glutamic acid.
Molecular consequence: missense variant.
Genome position (GRCh38, 1-based): chrX:47,179,949, C>A. VCF-style: chrX-47179949-C-A. GRCh37 (hg19) VCF-style: chrX-47039348-C-A.
Other names: c.740C>A, p.Ala247Glu (NM_001204466.2, NM_152856.3); c.971C>A, p.Ala324Glu (NM_001204467.2); c.1166C>A, p.Ala389Glu (NM_001204468.2, NM_001440861.1); c.935C>A, p.Ala312Glu (NM_001440862.1, NM_001440863.1); short protein forms A247E, A312E, A324E, A389E.
Identifiers: ClinVar variation 4976598 (VCV004976598.1).

ClinVar aggregate classification (germline): Uncertain significance (1 of 4 stars; one submission).

Submission:

GeneDx
Classification: Uncertain significance. Last evaluated: 2026-02-12. Review status: criteria provided, single submitter. Criteria: GeneDx Variant Classification Process June 2021. Collection method: clinical testing. Allele origin: germline.
Comment: Not observed at significant frequency in large population cohorts (gnomAD); In silico analysis supports that this missense variant has a deleterious effect on protein structure/function; Has not been previously published as pathogenic or benign to our knowledge